The following is an entry in ClinVar:

ClinVar aggregate classification (germline): Uncertain significance (1 of 4 stars; one submission).

Allele frequency attached by ClinVar (database versions not stated): TOPMed below 0.00001.

Submission:

Labcorp Genetics (formerly Invitae), Labcorp
Classification: Uncertain significance. Last evaluated: 2023-10-13. Review status: criteria provided, single submitter. Criteria: Invitae Variant Classification Sherloc (09022015). Collection method: clinical testing. Allele origin: germline.
Comment: This sequence change replaces serine, which is neutral and polar, with asparagine, which is neutral and polar, at codon 1509 of the PIK3C2A protein (p.Ser1509Asn). This variant is not present in population databases (gnomAD no frequency). This variant has not been reported in the literature in individuals affected with PIK3C2A-related conditions. ClinVar contains an entry for this variant (Variation ID: 1978576). Algorithms developed to predict the effect of missense changes on protein structure and function output the following: SIFT: "Not Available"; PolyPhen-2: "Benign"; Align-GVGD: "Not Available". The asparagine amino acid residue is found in multiple mammalian species, which suggests that this missense change does not adversely affect protein function. In summary, the available evidence is currently insufficient to determine the role of this variant in disease. Therefore, it has been classified as a Variant of Uncertain Significance.

NM_002645.4(PIK3C2A):c.4526G>A (p.Ser1509Asn)

Gene: PIK3C2A (phosphatidylinositol-4-phosphate 3-kinase catalytic subunit type 2 alpha; minus strand). Cytogenetic location: 11p15.1.
Variant type: single nucleotide variant.
Coding change: c.4526G>A on transcript NM_002645.4 (MANE Select); coding-DNA position 4526, G replaced by A.
Protein change: p.Ser1509Asn; replaces serine 1509 with asparagine.
Molecular consequence: missense variant.
Genome position (GRCh38, 1-based): chr11:17,092,202, C>T on the plus strand (G>A on the coding strand, the complement: PIK3C2A is on the minus strand). VCF-style: chr11-17092202-C-T. GRCh37 (hg19) VCF-style: chr11-17113749-C-T.
Other names: c.4526G>A, p.Ser1509Asn (NM_001321378.2); c.3386G>A, p.Ser1129Asn (NM_001321380.2); c.4358G>A, p.Ser1453Asn (NM_001386870.1); short protein forms S1129N, S1509N, S1453N.
Identifiers: ClinVar variation 1978576 (VCV001978576.4), dbSNP rs1446246211, ClinGen allele CA379757281.